The following is an entry in ClinVar:

ClinVar aggregate classification (germline): Pathogenic/Likely pathogenic. Review status: criteria provided, multiple submitters, no conflicts (2 of 4 stars). 4 submissions from 4 submitters: Pathogenic (1); Likely pathogenic (1). 2 of the submissions do not count toward it. Last evaluated 2020-10-02.

Conditions:
Global developmental delay (DD). Also called: Cognitive delay. Identifiers: MedGen C0557874, HP:0001263. Disease mechanism: loss of function.
Autism (AUTS). Also called: Autistic disorder; Autistic disorder of childhood onset. Identifiers: MedGen C0004352, MeSH D001321, MONDO:0005260, OMIM 209850, HP:0000717.
Severe intellectual disability. Identifiers: MedGen C0036857, HP:0010864.
Generalized hypotonia. Identifiers: MedGen C1858120, HP:0001290.
Intellectual developmental disorder 59. Also called: INTELLECTUAL DEVELOPMENTAL DISORDER, AUTOSOMAL DOMINANT 59; MENTAL RETARDATION, AUTOSOMAL DOMINANT 59. Identifiers: MedGen C5193190, MONDO:0032795, OMIM 618522.

Submissions (4):

New York Genome Center
Classification: Pathogenic for Intellectual developmental disorder 59. Last evaluated: 2020-10-02. Review status: criteria provided, single submitter. Criteria: NYGC Assertion Criteria 2020. Collection method: clinical testing. Allele origin: de novo. Affected: yes. Observed: 1 heterozygote. Study: CSER-NYCKidSeq.
Comment: The de novo heterozygous p.Arg292Pro missense variant identified in the CAMK2G gene has been reported in at least two unrelated patients affected with a neurological disorder [PMID: 23033978; PMID: 28191890; PMID: 30184290]. The variant has been reported as likely pathogenic in the ClinVar database [variation ID:39975]. The variant is absent from gnomAD(v3) database suggesting it is an extremely rare allele in the populations represented in this database. In vivoand in vitro functional analysis showed that the p.Arg292Pro variant exerts it’s pathogenic effect through gain-of-function mechanism via increased phosphotransferase activity, impaired neuronal maturation and impaired targeting of nuclear isoform [PMID: 30184290]. Based on the available evidence, the de novo p.Arg292Pro missense variant identified in the CAMK2G gene is reported here as Pathogenic.

Greenwood Genetic Center Diagnostic Laboratories, Greenwood Genetic Center
Classification: Likely pathogenic for Severe intellectual disability; Autism; Generalized hypotonia; Global developmental delay. Last evaluated: 2016-09-21. Review status: criteria provided, single submitter. Criteria: ACMG Guidelines, 2015. Collection method: clinical testing. Allele origin: de novo. Inheritance: Sporadic. Affected: yes. Observed: 1 heterozygote.
Comment: This alteration has been previously reported in the Human Gene Mutation Database and is associated with sporadic global developmental delay, hypotonia, and speech delay (GeneMatcher communication and de Ligt et al. (2012) N. Engl. J. Med. 367(20):1921-1929). This variant is not listed in the public SNP databases (ExAC, gnomAD) and is predicted to be deleterious or possibly damaging by multiple in silico algorithms (LRT, SIFT, PROVEAN, PolyPhen2-HumDiv). Based on the ACMG Guidelines for variant interpretation, using the criteria PS2, PS4 (downgraded to moderate), PM2, and PP3, this variant is classified as likely pathogenic.

Solve-RD Consortium
Classification: Likely pathogenic for Intellectual developmental disorder 59. Last evaluated: 2022-06-01. Review status: no assertion criteria provided. Collection method: provider interpretation. Allele origin: inherited. Affected: yes. Not counted in ClinVar's aggregate classification.
Comment: Variant confirmed as disease-causing by referring clinical team

Variant identified during reanalysis of unsolved cases by the Solve-RD project. The Solve-RD project has received funding from the European Union’s Horizon 2020 research and innovation programme under grant agreement No 779257.

OMIM
Classification: Pathogenic for INTELLECTUAL DEVELOPMENTAL DISORDER, AUTOSOMAL DOMINANT 59. Last evaluated: 2012-11-15. Review status: no assertion criteria provided. Collection method: literature only. Allele origin: germline. Not counted in ClinVar's aggregate classification.

Literature cited by the submitters: PubMed 30184290 (cited by New York Genome Center and OMIM); PubMed 39825153 (cited by Solve-RD Consortium); PubMed 23033978 (cited by OMIM).

NM_001367534.1(CAMK2G):c.875G>C (p.Arg292Pro)

Gene: CAMK2G (calcium/calmodulin dependent protein kinase II gamma; minus strand). Cytogenetic location: 10q22.2.
Variant type: single nucleotide variant.
Coding change: c.875G>C on transcript NM_001367534.1 (MANE Select); coding-DNA position 875, G replaced by C.
Protein change: p.Arg292Pro; replaces arginine 292 with proline.
Molecular consequence: missense variant. On other transcripts: non-coding transcript variant (8).
Genome position (GRCh38, 1-based): chr10:73,842,486, C>G on the plus strand (G>C on the coding strand, the complement: CAMK2G is on the minus strand). VCF-style: chr10-73842486-C-G. GRCh37 (hg19) VCF-style: chr10-75602244-C-G.
Other names: c.875G>C, p.Arg292Pro (NM_001222.4, NM_001320898.2, NM_001367516.1 and 28 more transcripts); c.851G>C, p.Arg284Pro (NM_001367514.1, NM_001367532.1, NM_001367525.1); c.563G>C, p.Arg188Pro (NM_001367537.1, NM_001367538.1); c.629G>C, p.Arg210Pro (NM_001367539.1, NM_001367524.1); c.209G>C, p.Arg70Pro (NM_001367540.1); c.122G>C, p.Arg41Pro (NM_001367542.1); short protein forms R292P, R210P, R284P, R188P, R41P, R70P.
Identifiers: ClinVar variation 39975 (VCV000039975.6), dbSNP rs397514627, ClinGen allele CA130678.